The following is an entry in ClinVar:

ClinVar aggregate classification (germline): Likely benign (0 of 4 stars; one submission).

Conditions:
DNAH6-related disorder. Also called: DNAH6-related condition.

Allele frequency attached by ClinVar (database versions not stated): TOPMed 0.00005; gnomAD 0.00018; gnomAD exomes 0.00032; 1000 Genomes Project 0.00080; 1000 Genomes Project 30x 0.00109; ExAC 0.00226.
gnomAD v4.1: 457 of 1,500,504 alleles (0.03%); highest among the groups gnomAD compares: South Asian, 0.51%; 5 homozygotes.

Submission:

PreventionGenetics, part of Exact Sciences
Classification: Likely benign for DNAH6-related condition. Last evaluated: 2019-06-28. Review status: no assertion criteria provided. Collection method: clinical testing. Allele origin: germline.
Comment: This variant is classified as likely benign based on ACMG/AMP sequence variant interpretation guidelines (Richards et al. 2015 PMID: 25741868, with internal and published modifications).

NM_001370.2(DNAH6):c.8066G>A (p.Arg2689Gln)

Gene: DNAH6 (dynein axonemal heavy chain 6; plus strand). Cytogenetic location: 2p11.2.
Variant type: single nucleotide variant.
Coding change: c.8066G>A on transcript NM_001370.2 (MANE Select); coding-DNA position 8066, G replaced by A.
Protein change: p.Arg2689Gln; replaces arginine 2689 with glutamine.
Molecular consequence: missense variant.
Genome position (GRCh38, 1-based): chr2:84,703,399, G>A. VCF-style: chr2-84703399-G-A. GRCh37 (hg19) VCF-style: chr2-84930523-G-A.
Other names: short protein forms R2689Q.
Identifiers: ClinVar variation 3043377 (VCV003043377.2), dbSNP rs552599808, ClinGen allele CA1737495.
Genomic context (GRCh38, chr2:84,703,399, plus strand): 5'-CAGTAAACTTAGAGTTTATAATGCTCATTATAATATAAATTTTCATTGTCACTTAGGCAC[G>A]AGATCGGGTGAAGAATGGTCTCACCAAGCTACTAGAAACAAACATACTAGTAGATAAAAT-3'
Protein context (NP_001361.1, residues 2679-2699): SEKRKQIISA[Arg2689Gln]DRVKNGLTKL